The following is an entry in ClinVar:

NM_000179.3(MSH6):c.2364T>C (p.Ile788=)

Gene: MSH6 (mutS homolog 6; plus strand). Cytogenetic location: 2p16.3.
Variant type: single nucleotide variant.
Coding change: c.2364T>C on transcript NM_000179.3 (MANE Select); coding-DNA position 2364, T replaced by C.
Protein change: p.Ile788=; no amino-acid change (isoleucine 788 retained).
Molecular consequence: synonymous variant.
Genome position (GRCh38, 1-based): chr2:47,800,347, T>C. VCF-style: chr2-47800347-T-C. GRCh37 (hg19) VCF-style: chr2-48027486-T-C.
Other names: c.1974T>C, p.Ile658= (NM_001281492.2); c.1458T>C, p.Ile486= (NM_001281493.2, NM_001281494.2).
Identifiers: ClinVar variation 1136762 (VCV001136762.17), dbSNP rs2104402886, ClinGen allele CA426121665.

ClinVar aggregate classification (germline): Likely benign. Review status: criteria provided, multiple submitters, no conflicts (2 of 4 stars). 2 submissions from 2 submitters: Likely benign (2). Last evaluated 2025-08-01.

Conditions:
Hereditary nonpolyposis colorectal neoplasms. Identifiers: MedGen C0009405, MeSH D003123.

Submissions (2):

CeGaT Center for Human Genetics Tuebingen
Classification: Likely benign. Last evaluated: 2025-08-01. Review status: criteria provided, single submitter. Criteria: CeGaT Center For Human Genetics Tuebingen Variant Classification Criteria Version 2. Collection method: clinical testing. Allele origin: germline. Affected: yes. Observed: 1 variant allele.
Comment: MSH6: PM2:Supporting, BP4, BP7

Labcorp Genetics (formerly Invitae), Labcorp
Classification: Likely benign for Hereditary nonpolyposis colorectal neoplasms. Last evaluated: 2020-02-04. Review status: criteria provided, single submitter. Criteria: Invitae Variant Classification Sherloc (09022015). Collection method: clinical testing. Allele origin: germline.